The following is an entry in ClinVar:

NM_003482.4(KMT2D):c.11223_11225del (p.Gln3745del)

Gene: KMT2D (lysine methyltransferase 2D; minus strand). Cytogenetic location: 12q13.12.
Variant type: Deletion.
Coding change: c.11223_11225del on transcript NM_003482.4 (MANE Select); coding-DNA positions 11223 to 11225, 3 bases deleted (ACA; older notation c.11223_11225delACA).
Protein change: p.Gln3745del; deletes glutamine 3745.
Molecular consequence: inframe deletion.
Genome position (GRCh38, 1-based): chr12:49,033,480-49,033,482, TGT deleted on the plus strand (ACA on the coding strand, the reverse complement: KMT2D is on the minus strand); deleting any 3 consecutive bases within chr12:49,033,480-49,033,484 gives the same sequence; the c. name uses the placement nearest the transcript's 3' end. VCF-style (leftmost placement, unchanged base first): chr12-49033479-CTGT-C. GRCh37 (hg19) VCF-style: chr12-49427262-CTGT-C.
Other names: short protein forms Q3745del.
Identifiers: ClinVar variation 1429167 (VCV001429167.6), dbSNP rs2120443252, ClinGen allele CA2573148665.

ClinVar aggregate classification (germline): Uncertain significance (1 of 4 stars; one submission).

Conditions:
Kabuki syndrome. Also called: NIIKAWA-KUROKI SYNDROME; Kabuki make-up syndrome. Identifiers: Orphanet 2322, MedGen C0796004, MONDO:0016512.

Submission:

Labcorp Genetics (formerly Invitae), Labcorp
Classification: Uncertain significance for Kabuki syndrome. Last evaluated: 2021-09-17. Review status: criteria provided, single submitter. Criteria: Invitae Variant Classification Sherloc (09022015). Collection method: clinical testing. Allele origin: germline.
Comment: In summary, the available evidence is currently insufficient to determine the role of this variant in disease. Therefore, it has been classified as a Variant of Uncertain Significance. Experimental studies and prediction algorithms are not available or were not evaluated, and the functional significance of this variant is currently unknown. This variant has not been reported in the literature in individuals affected with KMT2D-related conditions. This variant is not present in population databases (ExAC no frequency). This variant, c.11223_11225del, results in the deletion of 1 amino acid(s) of the KMT2D protein (p.Gln3745del), but otherwise preserves the integrity of the reading frame.